The following is an entry in ClinVar:

ClinVar aggregate classification (germline): Pathogenic (1 of 4 stars; one submission).

Submission:

Labcorp Genetics (formerly Invitae), Labcorp
Classification: Pathogenic. Last evaluated: 2022-11-15. Review status: criteria provided, single submitter. Criteria: Invitae Variant Classification Sherloc (09022015). Collection method: clinical testing. Allele origin: germline.
Comment: This variant has not been reported in the literature in individuals affected with MSH3-related conditions. This variant is not present in population databases (gnomAD no frequency). This sequence change creates a premature translational stop signal (p.Ile318Leufs*13) in the MSH3 gene. It is expected to result in an absent or disrupted protein product. Loss-of-function variants in MSH3 are known to be pathogenic (PMID: 27476653). For these reasons, this variant has been classified as Pathogenic.

Literature cited by the submitters: PubMed 27476653.

NM_002439.5(MSH3):c.952del (p.Ile318fs)

Genes: MSH3 (mutS homolog 3; plus strand), LOC126807437 (MED14-independent group 3 enhancer GRCh37_chr5:79968379-79969578; plus strand). Cytogenetic location: 5q14.1.
Variant type: Deletion.
Coding change: c.952del on transcript NM_002439.5 (MANE Select); coding-DNA position 952, one base deleted (A; older notation c.952delA).
Protein change: p.Ile318fs; shifts the reading frame from isoleucine 318.
Molecular consequence: frameshift variant.
Genome position (GRCh38, 1-based): chr5:80,672,783, A deleted. VCF-style (leftmost placement, unchanged base first): chr5-80672782-CA-C. GRCh37 (hg19) VCF-style: chr5-79968601-CA-C.
Other names: short protein forms I318fs.
Identifiers: ClinVar variation 2814349 (VCV002814349.3), dbSNP rs2546722877, ClinGen allele CA2739274812.